The following is an entry in ClinVar:

ClinVar aggregate classification (germline): Uncertain significance (1 of 4 stars; one submission).

Conditions:
Imerslund-Grasbeck syndrome. Also called: Megaloblastic anemia due to inborn errors of metabolism; ENTEROCYTE COBALAMIN MALABSORPTION; ENTEROCYTE INTRINSIC FACTOR RECEPTOR, DEFECT OF; Imerslund-Gräsbeck syndrome; PERNICIOUS ANEMIA, JUVENILE, DUE TO SELECTIVE INTESTINAL MALABSORPTION OF VITAMIN B12, WITH PROTEINURIA. Identifiers: Orphanet 35858, MedGen C4551825, MONDO:0009853.

gnomAD v4.1: 1 of 1,613,358 alleles (0.000062%); highest among the groups gnomAD compares: Admixed American, 0.0017%; no homozygotes.

Submission:

Labcorp Genetics (formerly Invitae), Labcorp
Classification: Uncertain significance for Imerslund-Grasbeck syndrome. Last evaluated: 2022-08-16. Review status: criteria provided, single submitter. Criteria: Invitae Variant Classification Sherloc (09022015). Collection method: clinical testing. Allele origin: germline.
Comment: In summary, the available evidence is currently insufficient to determine the role of this variant in disease. Therefore, it has been classified as a Variant of Uncertain Significance. Algorithms developed to predict the effect of sequence changes on RNA splicing suggest that this variant may create or strengthen a splice site. ClinVar contains an entry for this variant (Variation ID: 1410088). This variant has not been reported in the literature in individuals affected with CUBN-related conditions. This variant is present in population databases (no rsID available, gnomAD 0.003%). This sequence change falls in intron 41 of the CUBN gene. It does not directly change the encoded amino acid sequence of the CUBN protein.

NM_001081.4(CUBN):c.6272-7T>A

Gene: CUBN (cubilin; minus strand). Cytogenetic location: 10p13.
Variant type: single nucleotide variant.
Coding change: c.6272-7T>A on transcript NM_001081.4 (MANE Select); 7 bases into the intron before coding-DNA position 6272, T replaced by A.
Molecular consequence: intron variant.
Genome position (GRCh38, 1-based): chr10:16,925,781, A>T on the plus strand (T>A on the coding strand, the complement: CUBN is on the minus strand). VCF-style: chr10-16925781-A-T. GRCh37 (hg19) VCF-style: chr10-16967780-A-T.
Identifiers: ClinVar variation 1410088 (VCV001410088.6), dbSNP rs1333033381, ClinGen allele CA592313427.